The following is an entry in ClinVar:

NM_001349253.2(SCN11A):c.1576G>C (p.Val526Leu)

Gene: SCN11A (sodium voltage-gated channel alpha subunit 11; minus strand). Cytogenetic location: 3p22.2.
Variant type: single nucleotide variant.
Coding change: c.1576G>C on transcript NM_001349253.2 (MANE Select); coding-DNA position 1576, G replaced by C.
Protein change: p.Val526Leu; replaces valine 526 with leucine.
Molecular consequence: missense variant.
Genome position (GRCh38, 1-based): chr3:38,905,219, C>G on the plus strand (G>C on the coding strand, the complement: SCN11A is on the minus strand). VCF-style: chr3-38905219-C-G. GRCh37 (hg19) VCF-style: chr3-38946710-C-G.
Other names: c.1576G>C, p.Val526Leu (NM_014139.3); short protein forms V526L.
Identifiers: ClinVar variation 663163 (VCV000663163.9), dbSNP rs201958340, ClinGen allele CA72962159.

ClinVar aggregate classification (germline): Uncertain significance. Review status: criteria provided, multiple submitters, no conflicts (2 of 4 stars). 2 submissions from 2 submitters: Uncertain significance (2). Last evaluated 2025-09-24.

Conditions:
Inborn genetic diseases. Identifiers: MedGen C0950123, MeSH D030342.
Hereditary sensory and autonomic neuropathy type 7. Also called: Neuropathy, hereditary sensory and autonomic, type VII; HSAN VII. Identifiers: Orphanet 391397, MedGen C3809882, MONDO:0014244, OMIM 615548.
Familial episodic pain syndrome with predominantly lower limb involvement. Also called: Episodic pain syndrome, familial, 3. Identifiers: Orphanet 391384, Orphanet 391392, MedGen C3809899, MONDO:0014247, OMIM 615552.

Allele frequency attached by ClinVar (database versions not stated): gnomAD exomes below 0.00001 and 0.00001; gnomAD 0.00001; TOPMed 0.00002; 1000 Genomes Project 30x 0.00016; 1000 Genomes Project 0.00020.
gnomAD v4.1: 17 of 1,614,028 alleles (0.0011%); highest among the groups gnomAD compares: Non-Finnish European, 0.0013%; no homozygotes.

Submissions (2):

Ambry Genetics
Classification: Uncertain significance for Inborn genetic diseases. Last evaluated: 2025-09-24. Review status: criteria provided, single submitter. Criteria: Ambry Variant Classification Scheme 2023. Collection method: clinical testing. Allele origin: germline.

Labcorp Genetics (formerly Invitae), Labcorp
Classification: Uncertain significance for Familial episodic pain syndrome with predominantly lower limb involvement; Hereditary sensory and autonomic neuropathy type 7. Last evaluated: 2024-02-26. Review status: criteria provided, single submitter. Criteria: Invitae Variant Classification Sherloc (09022015). Collection method: clinical testing. Allele origin: germline.
Comment: This sequence change replaces valine, which is neutral and non-polar, with leucine, which is neutral and non-polar, at codon 526 of the SCN11A protein (p.Val526Leu). This variant is present in population databases (rs201958340, gnomAD 0.0009%). This variant has not been reported in the literature in individuals affected with SCN11A-related conditions. ClinVar contains an entry for this variant (Variation ID: 663163). Advanced modeling of protein sequence and biophysical properties (such as structural, functional, and spatial information, amino acid conservation, physicochemical variation, residue mobility, and thermodynamic stability) performed at Invitae indicates that this missense variant is not expected to disrupt SCN11A protein function with a negative predictive value of 80%. In summary, the available evidence is currently insufficient to determine the role of this variant in disease. Therefore, it has been classified as a Variant of Uncertain Significance.